The following is an entry in ClinVar:

NM_002900.3(RBP3):c.778G>C (p.Gly260Arg)

Gene: RBP3 (retinol binding protein 3; plus strand). Cytogenetic location: 10q11.22.
Variant type: single nucleotide variant.
Coding change: c.778G>C on transcript NM_002900.3 (MANE Select); coding-DNA position 778, G replaced by C.
Protein change: p.Gly260Arg; replaces glycine 260 with arginine.
Molecular consequence: missense variant.
Genome position (GRCh38, 1-based): chr10:47,349,262, G>C. VCF-style: chr10-47349262-G-C. GRCh37 (hg19) VCF-style: chr10-48390100-C-G.
Other names: short protein forms G260R.
Identifiers: ClinVar variation 965161 (VCV000965161.10), dbSNP rs199687745, ClinGen allele CA5487694.

ClinVar aggregate classification (germline): Uncertain significance. Review status: criteria provided, multiple submitters, no conflicts (2 of 4 stars). 3 submissions from 3 submitters: Uncertain significance (3). Last evaluated 2025-10-29.

Conditions:
Inborn genetic diseases. Identifiers: MedGen C0950123, MeSH D030342.

Allele frequency attached by ClinVar (database versions not stated): TOPMed 0.00005; ESP Exome Variant Server 0.00008.
gnomAD v4.1: 99 of 1,613,008 alleles (0.0061%); highest among the groups gnomAD compares: Middle Eastern, 0.016%; no homozygotes.

Submissions (3):

Ambry Genetics
Classification: Uncertain significance for Inborn genetic diseases. Last evaluated: 2025-10-29. Review status: criteria provided, single submitter. Criteria: Ambry Variant Classification Scheme 2023. Collection method: clinical testing. Allele origin: germline.

Labcorp Genetics (formerly Invitae), Labcorp
Classification: Uncertain significance. Last evaluated: 2024-11-05. Review status: criteria provided, single submitter. Criteria: Invitae Variant Classification Sherloc (09022015). Collection method: clinical testing. Allele origin: germline.
Comment: This sequence change replaces glycine, which is neutral and non-polar, with arginine, which is basic and polar, at codon 260 of the RBP3 protein (p.Gly260Arg). This variant is present in population databases (rs199687745, gnomAD 0.008%). This variant has not been reported in the literature in individuals affected with RBP3-related conditions. ClinVar contains an entry for this variant (Variation ID: 965161). An algorithm developed to predict the effect of missense changes on protein structure and function (PolyPhen-2) suggests that this variant is likely to be disruptive. In summary, the available evidence is currently insufficient to determine the role of this variant in disease. Therefore, it has been classified as a Variant of Uncertain Significance.

Blueprint Genetics
Classification: Uncertain significance. Last evaluated: 2021-10-01. Review status: criteria provided, single submitter. Criteria: ACMG Guidelines, 2015. Collection method: clinical testing. Allele origin: germline.